The following is an entry in ClinVar:

ClinVar aggregate classification (germline): Uncertain significance (1 of 4 stars; one submission).

Conditions:
Aortic valve disease 2 (AOVD2). Identifiers: MedGen C3542024, MONDO:0013902, OMIM 614823.

Submission:

Labcorp Genetics (formerly Invitae), Labcorp
Classification: Uncertain significance for Aortic valve disease 2. Last evaluated: 2024-10-07. Review status: criteria provided, single submitter. Criteria: Invitae Variant Classification Sherloc (09022015). Collection method: clinical testing. Allele origin: germline.
Comment: This sequence change creates a premature translational stop signal (p.Tyr300*) in the SMAD6 gene. It is expected to result in an absent or disrupted protein product. However, the current clinical and genetic evidence is not sufficient to establish whether loss-of-function variants in SMAD6 cause disease. This variant is not present in population databases (gnomAD no frequency). This premature translational stop signal has been observed in individual(s) with nonsyndromic radioulnar synostosis (PMID: 31138930). ClinVar contains an entry for this variant (Variation ID: 2090878). In summary, the available evidence is currently insufficient to determine the role of this variant in disease. Therefore, it has been classified as a Variant of Uncertain Significance.

Literature cited by the submitters: PubMed 31138930.

NM_005585.5(SMAD6):c.900C>G (p.Tyr300Ter)

Gene: SMAD6 (SMAD family member 6; plus strand). Cytogenetic location: 15q22.31.
Variant type: single nucleotide variant.
Coding change: c.900C>G on transcript NM_005585.5 (MANE Select); coding-DNA position 900, C replaced by G.
Protein change: p.Tyr300Ter; replaces tyrosine 300 with a stop codon.
Molecular consequence: nonsense. On other transcripts: non-coding transcript variant (1).
Genome position (GRCh38, 1-based): chr15:66,716,446, C>G. VCF-style: chr15-66716446-C-G. GRCh37 (hg19) VCF-style: chr15-67008784-C-G.
Other names: short protein forms Y300*.
Identifiers: ClinVar variation 2090878 (VCV002090878.4), dbSNP rs767259025, ClinGen allele CA392951827.